The following is an entry in ClinVar:

NM_004820.5(CYP7B1):c.1263T>C (p.Asp421=)

Gene: CYP7B1 (cytochrome P450 family 7 subfamily B member 1; minus strand). Cytogenetic location: 8q12.3.
Variant type: single nucleotide variant.
Coding change: c.1263T>C on transcript NM_004820.5 (MANE Select); coding-DNA position 1263, T replaced by C.
Protein change: p.Asp421=; no amino-acid change (aspartic acid 421 retained).
Molecular consequence: synonymous variant. On other transcripts: intron variant (1).
Genome position (GRCh38, 1-based): chr8:64,596,900, A>G on the plus strand (T>C on the coding strand, the complement: CYP7B1 is on the minus strand). VCF-style: chr8-64596900-A-G. GRCh37 (hg19) VCF-style: chr8-65509457-A-G.
Other names: c.1263T>C (NM_004820.4); c.1234-7056T>C (NM_001324112.2).
Identifiers: ClinVar variation 2740701 (VCV002740701.4), dbSNP rs181578063, ClinGen allele CA4764003.

ClinVar aggregate classification (germline): Likely benign. Review status: criteria provided, multiple submitters, no conflicts (2 of 4 stars). 2 submissions from 2 submitters: Likely benign (2). Last evaluated 2025-03-23.

Conditions:
Spastic paraplegia. Identifiers: MedGen C0037772, HP:0001258.
CYP7B1-related disorder. Also called: CYP7B1-related condition.

Allele frequency attached by ClinVar (database versions not stated): TOPMed 0.00002; ExAC 0.00003; gnomAD 0.00005; 1000 Genomes Project 30x 0.00016; 1000 Genomes Project 0.00020.
gnomAD v4.1: 34 of 1,612,668 alleles (0.0021%); highest among the groups gnomAD compares: East Asian, 0.031%; no homozygotes.

Submissions (2):

PreventionGenetics, part of Exact Sciences
Classification: Likely benign for CYP7B1-related condition. Last evaluated: 2025-03-23. Review status: criteria provided, single submitter. Criteria: ACMG Guidelines, 2015. Collection method: clinical testing. Allele origin: germline.
Comment: This variant is classified as likely benign based on ACMG/AMP sequence variant interpretation guidelines (Richards et al. 2015 PMID: 25741868, with internal and published modifications).

Labcorp Genetics (formerly Invitae), Labcorp
Classification: Likely benign for Spastic paraplegia. Last evaluated: 2023-09-23. Review status: criteria provided, single submitter. Criteria: Invitae Variant Classification Sherloc (09022015). Collection method: clinical testing. Allele origin: germline.